The following is an entry in ClinVar:

ClinVar aggregate classification (germline): Benign (1 of 4 stars; one submission).

Conditions:
Familial cancer of breast. Also called: hereditary breast carcinoma; Hereditary breast cancer; BREAST CANCER, FAMILIAL. Identifiers: Orphanet 227535, MedGen C0346153, MONDO:0016419, OMIM 114480. Disease mechanism: loss of function.

Submission:

Myriad Genetics, Inc.
Classification: Benign for Familial cancer of breast. Last evaluated: 2024-09-05. Review status: criteria provided, single submitter. Criteria: Myriad Autosomal Dominant, Autosomal Recessive and X-Linked Classification Criteria (2023). Collection method: clinical testing. Allele origin: unknown.
Comment: This variant is considered benign. This variant is a silent/synonymous amino acid change and it is not expected to impact splicing.

NM_032043.3(BRIP1):c.2565C>G (p.Arg855=)

Gene: BRIP1 (BRCA1 interacting DNA helicase 1; minus strand). Cytogenetic location: 17q23.2.
Variant type: single nucleotide variant.
Coding change: c.2565C>G on transcript NM_032043.3 (MANE Select); coding-DNA position 2565, C replaced by G.
Protein change: p.Arg855=; no amino-acid change (arginine 855 retained).
Molecular consequence: synonymous variant.
Genome position (GRCh38, 1-based): chr17:61,693,440, G>C on the plus strand (C>G on the coding strand, the complement: BRIP1 is on the minus strand). VCF-style: chr17-61693440-G-C. GRCh37 (hg19) VCF-style: chr17-59770801-G-C.
Identifiers: ClinVar variation 3378920 (VCV003378920.1).